The following is an entry in ClinVar:

NM_002878.4(RAD51D):c.392A>G (p.Asn131Ser)

Genes: RAD51L3-RFFL (RAD51L3-RFFL readthrough; minus strand), RAD51D (RAD51 paralog D; minus strand). Cytogenetic location: 17q12.
Variant type: single nucleotide variant.
Coding change: c.392A>G on transcript NM_002878.4 (MANE Select); coding-DNA position 392, A replaced by G.
Protein change: p.Asn131Ser; replaces asparagine 131 with serine.
Molecular consequence: missense variant. On other transcripts: non-coding transcript variant (1), intron variant (1).
Genome position (GRCh38, 1-based): chr17:35,107,076, T>C on the plus strand (A>G on the coding strand, the complement: RAD51D is on the minus strand). VCF-style: chr17-35107076-T-C. GRCh37 (hg19) VCF-style: chr17-33434095-T-C.
Other names: c.452A>G, p.Asn151Ser (NM_001142571.2); c.145-595A>G (NM_133629.3); short protein forms N131S, N151S.
Identifiers: ClinVar variation 410554 (VCV000410554.21), dbSNP rs1060502954, ClinGen allele CA16615599.

ClinVar aggregate classification (germline): Uncertain significance. Review status: criteria provided, multiple submitters, no conflicts (2 of 4 stars). 6 submissions from 6 submitters: Uncertain significance (6). Last evaluated 2025-10-24.

Conditions:
Breast-ovarian cancer, familial, susceptibility to, 4. Identifiers: Orphanet 145, MedGen C3280345, MONDO:0013669, OMIM 614291.
Hereditary cancer-predisposing syndrome. Also called: Tumor predisposition; Hereditary Cancer Syndrome; Hereditary neoplastic syndrome; Neoplastic Syndromes, Hereditary. Identifiers: Orphanet 140162, MedGen C0027672, MeSH D009386, MONDO:0015356.

Allele frequency attached by ClinVar (database versions not stated): gnomAD 0.00001; gnomAD exomes 0.00001.
gnomAD v4.1: 6 of 1,613,952 alleles (0.00037%); highest among the groups gnomAD compares: Non-Finnish European, 0.00034%; no homozygotes.

Submissions (6):

Women's Health and Genetics/Laboratory Corporation of America, LabCorp
Classification: Uncertain significance. Last evaluated: 2025-10-24. Review status: criteria provided, single submitter. Criteria: LabCorp Variant Classification Summary - May 2015. Collection method: clinical testing. Allele origin: germline.

Labcorp Genetics (formerly Invitae), Labcorp
Classification: Uncertain significance for Breast-ovarian cancer, familial, susceptibility to, 4. Last evaluated: 2025-10-02. Review status: criteria provided, single submitter. Criteria: Invitae Variant Classification Sherloc (09022015). Collection method: clinical testing. Allele origin: germline.
Comment: This sequence change replaces asparagine, which is neutral and polar, with serine, which is neutral and polar, at codon 131 of the RAD51D protein (p.Asn131Ser). This variant is not present in population databases (gnomAD no frequency). This variant has not been reported in the literature in individuals affected with RAD51D-related conditions. ClinVar contains an entry for this variant (Variation ID: 410554). Invitae Evidence Modeling of protein sequence and biophysical properties (such as structural, functional, and spatial information, amino acid conservation, physicochemical variation, residue mobility, and thermodynamic stability) indicates that this missense variant is not expected to disrupt RAD51D protein function with a negative predictive value of 80%. In summary, the available evidence is currently insufficient to determine the role of this variant in disease. Therefore, it has been classified as a Variant of Uncertain Significance.

Ambry Genetics
Classification: Uncertain significance for Hereditary cancer-predisposing syndrome. Last evaluated: 2023-12-11. Review status: criteria provided, single submitter. Criteria: Ambry Variant Classification Scheme 2023. Collection method: clinical testing. Allele origin: germline.
Comment: The p.N131S variant (also known as c.392A>G), located in coding exon 5 of the RAD51D gene, results from an A to G substitution at nucleotide position 392. The asparagine at codon 131 is replaced by serine, an amino acid with highly similar properties. This amino acid position is well conserved in available vertebrate species. In addition, this alteration is predicted to be tolerated by in silico analysis. Since supporting evidence is limited at this time, the clinical significance of this alteration remains unclear.

Baylor Genetics
Classification: Uncertain significance for Breast-ovarian cancer, familial, susceptibility to, 4. Last evaluated: 2023-10-06. Review status: criteria provided, single submitter. Criteria: ACMG Guidelines, 2015. Collection method: clinical testing. Allele origin: unknown.

Color Diagnostics, LLC DBA Color Health
Classification: Uncertain significance for Hereditary cancer-predisposing syndrome. Last evaluated: 2023-07-25. Review status: criteria provided, single submitter. Criteria: ACMG Guidelines, 2015. Collection method: clinical testing. Allele origin: germline.
Comment: This missense variant replaces asparagine with serine at codon 131 of the RAD51D protein. Computational prediction suggests that this variant may not impact protein structure and function (internally defined REVEL score threshold <= 0.5, PMID: 27666373). To our knowledge, functional studies have not been reported for this variant. This variant has not been reported in individuals affected with RAD51D-related disorders in the literature, but has been reported in two unaffected individuals (PMID: 33471991; Leiden Open Variation Database DB-ID RAD51D_000150). This variant has not been identified in the general population by the Genome Aggregation Database (gnomAD). The available evidence is insufficient to determine the role of this variant in disease conclusively. Therefore, this variant is classified as a Variant of Uncertain Significance.

Sema4
Classification: Uncertain significance for Hereditary cancer-predisposing syndrome. Last evaluated: 2021-11-30. Review status: criteria provided, single submitter. Criteria: Sema4 Curation Guidelines. Collection method: curation. Allele origin: germline.
Comment: To the best of our knowledge, the RAD51D c.392A>G (p.N131S) variant has not been reported in individuals with RAD51D-related disease. This variant is not reported in the population database Genome Aggregation Database (PMID: 32461654). This variant has been reported in ClinVar (Variation ID: 410554). In silico tools suggest the impact of the variant on protein function is benign, though these predictions have not been confirmed by functional studies. The evidence is insufficient to meet ACMG/AMP criteria for classifying the variant as benign or pathogenic. Thus, the clinical significance of this variant is currently uncertain.

Literature cited by the submitters: PubMed 33471991 (cited by Color Diagnostics, LLC DBA Color Health).